The following is an entry in ClinVar:

NM_017947.4(MOCOS):c.14C>T (p.Ala5Val)

Gene: MOCOS (molybdenum cofactor sulfurase; plus strand). Cytogenetic location: 18q12.2.
Variant type: single nucleotide variant.
Coding change: c.14C>T on transcript NM_017947.4 (MANE Select); coding-DNA position 14, C replaced by T.
Protein change: p.Ala5Val; replaces alanine 5 with valine.
Molecular consequence: missense variant.
Genome position (GRCh38, 1-based): chr18:36,187,553, C>T. VCF-style: chr18-36187553-C-T. GRCh37 (hg19) VCF-style: chr18-33767516-C-T.
Other names: short protein forms A5V.
Identifiers: ClinVar variation 654063 (VCV000654063.7), dbSNP rs1262805938, ClinGen allele CA402224584.
Genomic context (GRCh38, chr18:36,187,553, plus strand): 5'-TCGCGCACTTCCCGGGCCCGGCCGGCCTGGATGGACTAGCCGGGGCCATGGCCGGCGCGG[C>T]GGCGGAGTCAGGGCGGGAGCTGTGGACCTTCGCGGGTTCCCGGGACCCGAGCGCACCGCG-3'
Protein context (NP_060417.4, residues 1-15): MAGA[Ala5Val]AESGRELWTF

ClinVar aggregate classification (germline): Uncertain significance. Review status: criteria provided, multiple submitters, no conflicts (2 of 4 stars). 2 submissions from 2 submitters: Uncertain significance (2). Last evaluated 2022-02-09.

Conditions:
Xanthinuria type II. Also called: Xanthine dehydrogenase and aldehyde oxidase combined deficiency of; XDH and AOX dual deficiency. Identifiers: Orphanet 3467, Orphanet 93602, MedGen C1863688, MONDO:0011346, OMIM 603592.

Allele frequency attached by ClinVar (database versions not stated): gnomAD below 0.00001 and 0.00001; TOPMed below 0.00001; gnomAD exomes 0.00001.
gnomAD v4.1: 12 of 1,239,052 alleles (0.00097%); highest among the groups gnomAD compares: South Asian, 0.043%; no homozygotes.

Submissions (2):

Fulgent Genetics
Classification: Uncertain significance for Xanthinuria type II. Last evaluated: 2022-02-09. Review status: criteria provided, single submitter. Criteria: ACMG Guidelines, 2015. Collection method: clinical testing. Allele origin: unknown.

Labcorp Genetics (formerly Invitae), Labcorp
Classification: Uncertain significance for Xanthinuria type II. Last evaluated: 2022-01-14. Review status: criteria provided, single submitter. Criteria: Invitae Variant Classification Sherloc (09022015). Collection method: clinical testing. Allele origin: germline.
Comment: This sequence change replaces alanine, which is neutral and non-polar, with valine, which is neutral and non-polar, at codon 5 of the MOCOS protein (p.Ala5Val). This variant is not present in population databases (gnomAD no frequency). This variant has not been reported in the literature in individuals affected with MOCOS-related conditions. ClinVar contains an entry for this variant (Variation ID: 654063). Algorithms developed to predict the effect of missense changes on protein structure and function output the following: SIFT: "Tolerated"; PolyPhen-2: "Benign"; Align-GVGD: "Class C0". The valine amino acid residue is found in multiple mammalian species, which suggests that this missense change does not adversely affect protein function. In summary, the available evidence is currently insufficient to determine the role of this variant in disease. Therefore, it has been classified as a Variant of Uncertain Significance.